The following is an entry in ClinVar:

ClinVar aggregate classification (germline): Conflicting classifications of pathogenicity. Review status: criteria provided, conflicting classifications (1 of 4 stars). 2 submissions from 2 submitters: Uncertain significance (1); Likely benign (1). Last evaluated 2024-10-06.

Allele frequency attached by ClinVar (database versions not stated): gnomAD 0.00001; gnomAD exomes 0.00001; TOPMed 0.00002.
gnomAD v4.1: 12 of 1,613,584 alleles (0.00074%); highest among the groups gnomAD compares: Middle Eastern, 0.016%; no homozygotes.

Submissions (2):

Labcorp Genetics (formerly Invitae), Labcorp
Classification: Likely benign. Last evaluated: 2024-10-06. Review status: criteria provided, single submitter. Criteria: Invitae Variant Classification Sherloc (09022015). Collection method: clinical testing. Allele origin: germline.

GeneDx
Classification: Uncertain significance. Last evaluated: 2019-01-04. Review status: criteria provided, single submitter. Criteria: GeneDx Variant Classification Process June 2021. Collection method: clinical testing. Allele origin: germline. Affected: yes.
Comment: In silico analysis, which includes protein predictors and evolutionary conservation, supports that this variant does not alter protein structure/function; Has not been previously published as pathogenic or benign to our knowledge

NM_001170629.2(CHD8):c.7055G>A (p.Arg2352Gln)

Genes: CHD8 (chromodomain helicase DNA binding protein 8; minus strand), LOC126861888 (CDK7 strongly-dependent group 2 enhancer GRCh37_chr14:21859227-21860426; plus strand). Cytogenetic location: 14q11.2.
Variant type: single nucleotide variant.
Coding change: c.7055G>A on transcript NM_001170629.2 (MANE Select); coding-DNA position 7055, G replaced by A.
Protein change: p.Arg2352Gln; replaces arginine 2352 with glutamine.
Molecular consequence: missense variant.
Genome position (GRCh38, 1-based): chr14:21,391,473, C>T on the plus strand (G>A on the coding strand, the complement: CHD8 is on the minus strand). VCF-style: chr14-21391473-C-T. GRCh37 (hg19) VCF-style: chr14-21859632-C-T.
Other names: c.6218G>A, p.Arg2073Gln (NM_020920.4); short protein forms R2073Q, R2352Q.
Identifiers: ClinVar variation 1304455 (VCV001304455.4), dbSNP rs1421013566, ClinGen allele CA388877007.